The following is an entry in ClinVar:

ClinVar aggregate classification (germline): Likely pathogenic (1 of 4 stars; one submission).

Conditions:
Familial dysautonomia. Also called: HSAN III; FD. Identifiers: Orphanet 1764, MedGen C0013364, MONDO:0009131, OMIM 223900. Disease mechanism: loss of function.

Submission:

Natera, Inc.
Classification: Likely pathogenic for Familial dysautonomia. Last evaluated: 2025-12-18. Review status: criteria provided, single submitter. Criteria: Natera Variant Classification Schema (03/2026). Collection method: clinical testing. Allele origin: germline.
Comment: The c.1098G>A variant in ELP1 is a nonsense variant predicted to introduce a stop codon at amino acid 366. This variant is expected to result in nonsense mediated decay, truncation, or a dysfunctional protein product. This variant is rare in the general population with a frequency below the threshold expected for the associated phenotype(s). Given the available evidence, this variant is classified as Likely Pathogenic.

NM_003640.5(ELP1):c.1098G>A (p.Trp366Ter)

Gene: ELP1 (elongator acetyltransferase complex subunit 1; minus strand). Cytogenetic location: 9q31.3.
Variant type: single nucleotide variant.
Coding change: c.1098G>A on transcript NM_003640.5 (MANE Select); coding-DNA position 1098, G replaced by A.
Protein change: p.Trp366Ter; replaces tryptophan 366 with a stop codon.
Molecular consequence: nonsense.
Genome position (GRCh38, 1-based): chr9:108,912,355, C>T on the plus strand (G>A on the coding strand, the complement: ELP1 is on the minus strand). VCF-style: chr9-108912355-C-T. GRCh37 (hg19) VCF-style: chr9-111674635-C-T.
Other names: c.756G>A, p.Trp252Ter (NM_001318360.2); c.51G>A, p.Trp17Ter (NM_001330749.2); short protein forms W17*, W252*, W366*.
Identifiers: ClinVar variation 4815166 (VCV004815166.1).